The following is an entry in ClinVar:

NM_001367561.1(DOCK7):c.6058A>G (p.Met2020Val)

Gene: DOCK7 (dedicator of cytokinesis 7; minus strand). Cytogenetic location: 1p31.3.
Variant type: single nucleotide variant.
Coding change: c.6058A>G on transcript NM_001367561.1 (MANE Select); coding-DNA position 6058, A replaced by G.
Protein change: p.Met2020Val; replaces methionine 2020 with valine.
Molecular consequence: missense variant.
Genome position (GRCh38, 1-based): chr1:62,475,255, T>C on the plus strand (A>G on the coding strand, the complement: DOCK7 is on the minus strand). VCF-style: chr1-62475255-T-C. GRCh37 (hg19) VCF-style: chr1-62940926-T-C.
Other names: c.6025A>G, p.Met2009Val (NM_001271999.2); c.5938A>G, p.Met1980Val (NM_001272000.2); c.5932A>G, p.Met1978Val (NM_001272001.2); c.6031A>G, p.Met2011Val (NM_001330614.2); c.5965A>G, p.Met1989Val (NM_033407.4); short protein forms M1980V, M2009V, M2011V, M2020V, M1978V, M1989V.
Identifiers: ClinVar variation 1037743 (VCV001037743.7), dbSNP rs1383139648, ClinGen allele CA340602155.

ClinVar aggregate classification (germline): Uncertain significance. Review status: criteria provided, multiple submitters, no conflicts (2 of 4 stars). 2 submissions from 2 submitters: Uncertain significance (2). Last evaluated 2021-08-31.

Conditions:
Developmental and epileptic encephalopathy, 23 (DEE23). Also called: Epileptic encephalopathy, early infantile, 23. Identifiers: Orphanet 411986, MedGen C4014492, MONDO:0014371, OMIM 615859.

Allele frequency attached by ClinVar (database versions not stated): gnomAD exomes below 0.00001 and 0.00001; TOPMed below 0.00001; gnomAD 0.00001.

Submissions (2):

Labcorp Genetics (formerly Invitae), Labcorp
Classification: Uncertain significance for Developmental and epileptic encephalopathy, 23. Last evaluated: 2021-08-31. Review status: criteria provided, single submitter. Criteria: Invitae Variant Classification Sherloc (09022015). Collection method: clinical testing. Allele origin: germline.
Comment: This sequence change replaces methionine with valine at codon 2009 of the DOCK7 protein (p.Met2009Val). The methionine residue is highly conserved and there is a small physicochemical difference between methionine and valine. This variant is not present in population databases (ExAC no frequency). This variant has not been reported in the literature in individuals affected with DOCK7-related conditions. Algorithms developed to predict the effect of missense changes on protein structure and function are either unavailable or do not agree on the potential impact of this missense change (SIFT: "Deleterious"; PolyPhen-2: "Possibly Damaging"; Align-GVGD: "Class C0"). In summary, the available evidence is currently insufficient to determine the role of this variant in disease. Therefore, it has been classified as a Variant of Uncertain Significance.

Blueprint Genetics
Classification: Uncertain significance. Last evaluated: 2021-07-23. Review status: criteria provided, single submitter. Criteria: ACMG Guidelines, 2015. Collection method: clinical testing. Allele origin: germline.